The following is an entry in ClinVar:

NM_015570.4(AUTS2):c.853dup (p.Cys285fs)

Gene: AUTS2 (activator of transcription and developmental regulator AUTS2; plus strand). Cytogenetic location: 7q11.22.
Variant type: Duplication.
Coding change: c.853dup on transcript NM_015570.4 (MANE Select); coding-DNA position 853, one base duplicated (T; older notation c.853dupT).
Protein change: p.Cys285fs; shifts the reading frame from cysteine 285.
Molecular consequence: frameshift variant.
Genome position (GRCh38, 1-based): chr7:70,762,980, T duplicated; the last of 2 consecutive T bases (chr7:70,762,979-70,762,980); duplicating either gives the same sequence. VCF-style (leftmost placement, unchanged base first): chr7-70762978-G-GT. GRCh37 (hg19) VCF-style: chr7-70227964-G-GT.
Other names: c.853dup, p.Cys285fs (NM_001127231.3); short protein forms C285fs.
Identifiers: ClinVar variation 2092608 (VCV002092608.4), dbSNP rs2484635548, ClinGen allele CA2580077327.

ClinVar aggregate classification (germline): Pathogenic (1 of 4 stars; one submission).

Submission:

Labcorp Genetics (formerly Invitae), Labcorp
Classification: Pathogenic. Last evaluated: 2022-02-03. Review status: criteria provided, single submitter. Criteria: Invitae Variant Classification Sherloc (09022015). Collection method: clinical testing. Allele origin: germline.
Comment: This variant has not been reported in the literature in individuals affected with AUTS2-related conditions. This variant is not present in population databases (gnomAD no frequency). This sequence change creates a premature translational stop signal (p.Cys285Leufs*7) in the AUTS2 gene. It is expected to result in an absent or disrupted protein product. Loss-of-function variants in AUTS2 are known to be pathogenic (PMID: 25205402, 27075013). For these reasons, this variant has been classified as Pathogenic.

Literature cited by the submitters: PubMed 25205402; PubMed 27075013.